The following is an entry in ClinVar:

NM_001379500.1(COL18A1):c.107-12386G>A

Gene: COL18A1 (collagen type XVIII alpha 1 chain; plus strand). Cytogenetic location: 21q22.3.
Variant type: single nucleotide variant.
Coding change: c.107-12386G>A on transcript NM_001379500.1 (MANE Select); 12386 bases into the intron before coding-DNA position 107, G replaced by A.
Molecular consequence: intron variant. On other transcripts: missense variant (2).
Genome position (GRCh38, 1-based): chr21:45,455,856, G>A. VCF-style: chr21-45455856-G-A. GRCh37 (hg19) VCF-style: chr21-46875770-G-A.
Other names: c.326G>A, p.Gly109Asp (NM_030582.4, NM_130444.3); short protein forms G109D.
Identifiers: ClinVar variation 2114994 (VCV002114994.4), dbSNP rs2517512566, ClinGen allele CA410505620.

ClinVar aggregate classification (germline): Uncertain significance (1 of 4 stars; one submission).

Submission:

Labcorp Genetics (formerly Invitae), Labcorp
Classification: Uncertain significance. Last evaluated: 2022-03-20. Review status: criteria provided, single submitter. Criteria: Invitae Variant Classification Sherloc (09022015). Collection method: clinical testing. Allele origin: germline.
Comment: The COL18A1 gene has multiple clinically relevant transcripts. This variant occurs in alternate transcript NM_030582.3, and corresponds to NM_130445.2:c.107-12386G>A in the primary transcript. This sequence change replaces glycine, which is neutral and non-polar, with aspartic acid, which is acidic and polar, at codon 109 of the COL18A1 protein (p.Gly109Asp). This variant is not present in population databases (gnomAD no frequency). This variant has not been reported in the literature in individuals affected with COL18A1-related conditions. Experimental studies and prediction algorithms are not available or were not evaluated, and the functional significance of this variant is currently unknown. In summary, the available evidence is currently insufficient to determine the role of this variant in disease. Therefore, it has been classified as a Variant of Uncertain Significance.